The following is an entry in ClinVar:

NM_000051.4(ATM):c.1860T>A (p.Cys620Ter)

Gene: ATM (ATM serine/threonine kinase; plus strand). Cytogenetic location: 11q22.3.
Variant type: single nucleotide variant.
Coding change: c.1860T>A on transcript NM_000051.4 (MANE Select); coding-DNA position 1860, T replaced by A.
Protein change: p.Cys620Ter; replaces cysteine 620 with a stop codon.
Molecular consequence: nonsense.
Genome position (GRCh38, 1-based): chr11:108,252,874, T>A. VCF-style: chr11-108252874-T-A. GRCh37 (hg19) VCF-style: chr11-108123601-T-A.
Other names: c.1860T>A, p.Cys620Ter (NM_001351834.2); short protein forms C620*.
Identifiers: ClinVar variation 5031322 (VCV005031322.1).

ClinVar aggregate classification (germline): Pathogenic (1 of 4 stars; one submission).

Conditions:
Hereditary cancer-predisposing syndrome. Also called: Neoplastic Syndromes, Hereditary; Tumor predisposition; Hereditary neoplastic syndrome; Hereditary Cancer Syndrome. Identifiers: Orphanet 140162, MedGen C0027672, MeSH D009386, MONDO:0015356.

Submission:

Ambry Genetics
Classification: Pathogenic for Hereditary cancer-predisposing syndrome. Last evaluated: 2026-06-25. Review status: criteria provided, single submitter. Criteria: Ambry Variant Classification Scheme 2023. Collection method: clinical testing. Allele origin: germline.
Comment: The p.C620* pathogenic mutation (also known as c.1860T>A), located in coding exon 11 of the ATM gene, results from a T to A substitution at nucleotide position 1860. This changes the amino acid from a cysteine to a stop codon within coding exon 11. This variant is considered to be rare based on population cohorts in the Genome Aggregation Database (gnomAD). This alteration is expected to result in loss of function by premature protein truncation or nonsense-mediated mRNA decay. As such, this alteration is interpreted as a disease-causing mutation.